The following is an entry in ClinVar:

ClinVar aggregate classification (germline): Conflicting classifications of pathogenicity. Review status: criteria provided, conflicting classifications (1 of 4 stars). 3 submissions from 3 submitters: Uncertain significance (1); Benign (1); Likely benign (1). Last evaluated 2025-12-06.

Conditions:
Vitreoretinopathy. Also called: Vitreoretinal degeneration. Identifiers: MedGen C0344290, MONDO:0020248, HP:0007773.

Allele frequency attached by ClinVar (database versions not stated): gnomAD 0.00022 and 0.00024; ExAC 0.00028; gnomAD exomes 0.00030 and 0.00048; TOPMed 0.00030; ESP Exome Variant Server 0.00054.

Submissions (3):

Labcorp Genetics (formerly Invitae), Labcorp
Classification: Uncertain significance. Last evaluated: 2025-12-06. Review status: criteria provided, single submitter. Criteria: Invitae Variant Classification Sherloc (09022015). Collection method: clinical testing. Allele origin: germline.
Comment: This sequence change replaces glutamic acid, which is acidic and polar, with lysine, which is basic and polar, at codon 3009 of the VCAN protein (p.Glu3009Lys). This variant is present in population databases (rs146090207, gnomAD 0.05%), and has an allele count higher than expected for a pathogenic variant. This variant has not been reported in the literature in individuals affected with VCAN-related conditions. ClinVar contains an entry for this variant (Variation ID: 354461). An algorithm developed to predict the effect of missense changes on protein structure and function outputs the following: PolyPhen-2: "Benign". The lysine amino acid residue is found in multiple mammalian species, which suggests that this missense change does not adversely affect protein function. In summary, the available evidence is currently insufficient to determine the role of this variant in disease. Therefore, it has been classified as a Variant of Uncertain Significance.

Blueprint Genetics
Classification: Likely benign. Last evaluated: 2024-05-03. Review status: criteria provided, single submitter. Criteria: ACMG Guidelines, 2015. Collection method: clinical testing. Allele origin: germline.

Illumina Laboratory Services, Illumina
Classification: Benign for Vitreoretinopathy. Last evaluated: 2018-01-13. Review status: criteria provided, single submitter. Criteria: ICSL Variant Classification Criteria 13 December 2019. Collection method: clinical testing. Allele origin: germline.
Comment: This variant was observed in the ICSL laboratory as part of a predisposition screen in an ostensibly healthy population. It had not been previously curated by ICSL or reported in the Human Gene Mutation Database (HGMD: prior to June 1st, 2018), and was therefore a candidate for classification through an automated scoring system. Utilizing variant allele frequency, disease prevalence and penetrance estimates, and inheritance mode, an automated score was calculated to assess if this variant is too frequent to cause the disease. Based on the score and internal cut-off values, a variant classified as benign is not then subjected to further curation. The score for this variant resulted in a classification of benign for this disease.

NM_004385.5(VCAN):c.9025G>A (p.Glu3009Lys)

Genes: VCAN (versican; plus strand), VCAN-AS1 (VCAN antisense RNA 1; minus strand). Cytogenetic location: 5q14.3.
Variant type: single nucleotide variant.
Coding change: c.9025G>A on transcript NM_004385.5 (MANE Select); coding-DNA position 9025, G replaced by A.
Protein change: p.Glu3009Lys; replaces glutamic acid 3009 with lysine.
Molecular consequence: missense variant. On other transcripts: intron variant (2).
Genome position (GRCh38, 1-based): chr5:83,542,028, G>A. VCF-style: chr5-83542028-G-A. GRCh37 (hg19) VCF-style: chr5-82837847-G-A.
Other names: c.6064G>A, p.Glu2022Lys (NM_001164097.2); c.4004-3509G>A (NM_001164098.2); c.1043-3509G>A (NM_001126336.3); short protein forms E3009K, E2022K.
Identifiers: ClinVar variation 354461 (VCV000354461.14), dbSNP rs146090207, ClinGen allele CA3333894.
Genomic context (GRCh38, chr5:83,542,028, plus strand): 5'-GGTGTGGTGCCTTGGCTAAGTCCACAGACTTCTGAGAGGCCCACGCTTTCTTCTTCTCCA[G>A]AAATAAACCCTGAAACTCAAGCAGCTTTAATCAGAGGGCAGGATTCCACGATAGCAGCAT-3'
Protein context (NP_004376.2, residues 2999-3019): SERPTLSSSP[Glu3009Lys]INPETQAALI